The following is an entry in ClinVar:

NM_014141.6(CNTNAP2):c.1597T>A (p.Leu533Ile)

Gene: CNTNAP2 (contactin associated protein 2; plus strand). Cytogenetic location: 7q35.
Variant type: single nucleotide variant.
Coding change: c.1597T>A on transcript NM_014141.6 (MANE Select); coding-DNA position 1597, T replaced by A.
Protein change: p.Leu533Ile; replaces leucine 533 with isoleucine.
Molecular consequence: missense variant.
Genome position (GRCh38, 1-based): chr7:147,395,707, T>A. VCF-style: chr7-147395707-T-A. GRCh37 (hg19) VCF-style: chr7-147092799-T-A.
Other names: p.L533I:TTA>ATA; short protein forms L533I.
Identifiers: ClinVar variation 205246 (VCV000205246.22), dbSNP rs781114080, ClinGen allele CA314126.
Genomic context (GRCh38, chr7:147,395,707, plus strand): 5'-CTTCAGCCTTCATTCCAAGGATGCATGCAGCTCATTCAAGTGGACGATCAACTTGTAAAT[T>A]TATACGAAGTGGCACAAAGGAAGCCGGGAAGTTTCGCGAATGTCAGCATTGACATGTGTG-3'
Protein context (NP_054860.1, residues 523-543): LIQVDDQLVN[Leu533Ile]YEVAQRKPGS

ClinVar aggregate classification (germline): Conflicting classifications of pathogenicity. Review status: criteria provided, conflicting classifications (1 of 4 stars). 4 submissions from 4 submitters: Uncertain significance (3); Likely benign (1). Last evaluated 2025-05-01.

Conditions:
Cortical dysplasia-focal epilepsy syndrome (PTHSL1). Also called: Pitt-Hopkins-like syndrome 1. Identifiers: Orphanet 163681, Orphanet 221150, MedGen C2750246, MONDO:0012400, OMIM 610042.

Allele frequency attached by ClinVar (database versions not stated): TOPMed 0.00001; gnomAD 0.00002; gnomAD exomes 0.00003 and 0.00008; ExAC 0.00008.
gnomAD v4.1: 55 of 1,612,458 alleles (0.0034%); highest among the groups gnomAD compares: Middle Eastern, 0.016%; 1 homozygote.

Submissions (4):

CeGaT Center for Human Genetics Tuebingen
Classification: Uncertain significance. Last evaluated: 2025-05-01. Review status: criteria provided, single submitter. Criteria: CeGaT Center For Human Genetics Tuebingen Variant Classification Criteria Version 2. Collection method: clinical testing. Allele origin: germline. Affected: yes. Observed: 1 variant allele.

Blueprint Genetics
Classification: Likely benign. Last evaluated: 2024-11-22. Review status: criteria provided, single submitter. Criteria: ACMG Guidelines, 2015. Collection method: clinical testing. Allele origin: germline.

Labcorp Genetics (formerly Invitae), Labcorp
Classification: Uncertain significance for Cortical dysplasia-focal epilepsy syndrome. Last evaluated: 2024-07-30. Review status: criteria provided, single submitter. Criteria: Invitae Variant Classification Sherloc (09022015). Collection method: clinical testing. Allele origin: germline.
Comment: This sequence change replaces leucine, which is neutral and non-polar, with isoleucine, which is neutral and non-polar, at codon 533 of the CNTNAP2 protein (p.Leu533Ile). This variant is present in population databases (rs781114080, gnomAD 0.009%). This variant has not been reported in the literature in individuals affected with CNTNAP2-related conditions. ClinVar contains an entry for this variant (Variation ID: 205246). An algorithm developed to predict the effect of missense changes on protein structure and function (PolyPhen-2) suggests that this variant is likely to be disruptive. In summary, the available evidence is currently insufficient to determine the role of this variant in disease. Therefore, it has been classified as a Variant of Uncertain Significance.

GeneDx
Classification: Uncertain significance. Last evaluated: 2023-11-02. Review status: criteria provided, single submitter. Criteria: GeneDx Variant Classification Process June 2021. Collection method: clinical testing. Allele origin: germline. Affected: yes.
Comment: Not observed at significant frequency in large population cohorts (gnomAD); In silico analysis supports that this missense variant does not alter protein structure/function; Has not been previously published as pathogenic or benign to our knowledge